The following is an entry in ClinVar:

ClinVar aggregate classification (germline): Benign/Likely benign. Review status: criteria provided, multiple submitters, no conflicts (2 of 4 stars). 7 submissions from 7 submitters: Benign (2); Likely benign (4). 1 of the submissions does not count toward it. Last evaluated 2026-02-04.

Conditions:
C1QA-related disorder. Also called: C1QA-related condition.
C1Q deficiency. Identifiers: MedGen C3150902, MONDO:0013343.

Allele frequency attached by ClinVar (database versions not stated): 1000 Genomes Project 0.00140; 1000 Genomes Project 30x 0.00141; TOPMed 0.00163; ESP Exome Variant Server 0.00177; gnomAD 0.00323 and 0.00330.
gnomAD v4.1: 5,177 of 1,614,002 alleles (0.32%); highest among the groups gnomAD compares: Non-Finnish European, 0.32%; 25 homozygotes.

Submissions (7):

Labcorp Genetics (formerly Invitae), Labcorp
Classification: Benign. Last evaluated: 2026-02-04. Review status: criteria provided, single submitter. Criteria: Invitae Variant Classification Sherloc (09022015). Collection method: clinical testing. Allele origin: germline.

CeGaT Center for Human Genetics Tuebingen
Classification: Likely benign. Last evaluated: 2025-12-01. Review status: criteria provided, single submitter. Criteria: CeGaT Center For Human Genetics Tuebingen Variant Classification Criteria Version 2. Collection method: clinical testing. Allele origin: germline. Affected: yes. Observed: 3 variant alleles.
Comment: C1QA: BP4, BS2

Mayo Clinic Laboratories, Mayo Clinic
Classification: Benign. Last evaluated: 2023-11-09. Review status: criteria provided, single submitter. Criteria: ACMG Guidelines, 2015. Collection method: clinical testing. Allele origin: germline. Observed: 4 variant alleles.
Comment: BS1, BS2

Clinical Genetics DNA and cytogenetics Diagnostics Lab, Erasmus MC, Erasmus Medical Center
Classification: Likely benign for C1Q deficiency 1. Last evaluated: 2016-07-25. Review status: criteria provided, single submitter. Criteria: ACGS Guidelines, 2013. Collection method: clinical testing. Allele origin: germline. Affected: yes. Study: VKGL Data-share Consensus.

Genome Diagnostics Laboratory, University Medical Center Utrecht
Classification: Likely benign for C1Q deficiency 1. Last evaluated: 2014-10-09. Review status: criteria provided, single submitter. Criteria: ACGS Guidelines, 2013. Collection method: clinical testing. Allele origin: germline. Affected: yes. Study: VKGL Data-share Consensus.

Breakthrough Genomics
Classification: Likely benign. Review status: criteria provided, single submitter. Criteria: ACMG Guidelines, 2015. Collection method: not provided. Allele origin: germline. Inheritance: Autosomal recessive inheritance. Affected: yes.

PreventionGenetics, part of Exact Sciences
Classification: Benign for C1QA-related condition. Last evaluated: 2019-09-09. Review status: no assertion criteria provided. Collection method: clinical testing. Allele origin: germline. Not counted in ClinVar's aggregate classification.
Comment: This variant is classified as benign based on ACMG/AMP sequence variant interpretation guidelines (Richards et al. 2015 PMID: 25741868, with internal and published modifications).

NM_015991.4(C1QA):c.67G>A (p.Glu23Lys)

Gene: C1QA (complement C1q A chain; plus strand). Cytogenetic location: 1p36.12.
Variant type: single nucleotide variant.
Coding change: c.67G>A on transcript NM_015991.4 (MANE Select); coding-DNA position 67, G replaced by A.
Protein change: p.Glu23Lys; replaces glutamic acid 23 with lysine.
Molecular consequence: missense variant.
Genome position (GRCh38, 1-based): chr1:22,637,683, G>A. VCF-style: chr1-22637683-G-A. GRCh37 (hg19) VCF-style: chr1-22964176-G-A.
Other names: p.Glu23Lys; c.67G>A, p.Glu23Lys (NM_001347465.2, NM_001347466.2); c.67G>A (NM_015991.3); short protein forms E23K.
Identifiers: ClinVar variation 522247 (VCV000522247.41), dbSNP rs17887074, ClinGen allele CA677707.